The following is an entry in ClinVar:

ClinVar aggregate classification (germline): Pathogenic. Review status: reviewed by expert panel (3 of 4 stars). 2 submissions from 2 submitters: Pathogenic (1). 1 of the submissions does not count toward it. Last evaluated 2017-12-15.

Conditions:
Breast-ovarian cancer, familial, susceptibility to, 1 (BROVCA1). Also called: BRCA1 Hereditary Breast and Ovarian Cancer; OVARIAN CANCER, SUSCEPTIBILITY TO. Identifiers: Orphanet 145, MedGen C2676676, MONDO:0011450, OMIM 604370. Disease mechanism: loss of function.
Hereditary breast ovarian cancer syndrome. Also called: Hereditary breast and ovarian cancer syndrome; Breast and ovarian cancer; Hereditary breast and ovarian cancer syndrome (HBOC); Hereditary breast and/or ovarian cancer syndrome; BRCA1- and BRCA2-Associated Hereditary Breast and Ovarian Cancer; Hereditary breast and ovarian cancer. Identifiers: Orphanet 145, MedGen C0677776, MeSH D061325, MONDO:0003582. Disease mechanism: loss of function.

Submissions (2):

Evidence-based Network for the Interpretation of Germline Mutant Alleles (ENIGMA)
Classification: Pathogenic for Breast-ovarian cancer, familial, susceptibility to, 1. Last evaluated: 2017-12-15. Review status: reviewed by expert panel. Criteria: ENIGMA BRCA1/2 Classification Criteria (2017-06-29). Collection method: curation. Allele origin: germline. Study: ENIGMA.
Comment: Variant allele predicted to encode a truncated non-functional protein.

Labcorp Genetics (formerly Invitae), Labcorp
Classification: Pathogenic for Hereditary breast ovarian cancer syndrome. Last evaluated: 2024-01-11. Review status: criteria provided, single submitter. Criteria: Invitae Variant Classification Sherloc (09022015). Collection method: clinical testing. Allele origin: germline. Not counted in ClinVar's aggregate classification.
Comment: This sequence change creates a premature translational stop signal (p.Leu758*) in the BRCA1 gene. It is expected to result in an absent or disrupted protein product. Loss-of-function variants in BRCA1 are known to be pathogenic (PMID: 20104584). This variant is not present in population databases (gnomAD no frequency). This variant has not been reported in the literature in individuals affected with BRCA1-related conditions. ClinVar contains an entry for this variant (Variation ID: 409317). For these reasons, this variant has been classified as Pathogenic.

Literature cited by the submitters: PubMed 20104584 (cited by Labcorp Genetics (formerly Invitae), Labcorp).

NM_007294.4(BRCA1):c.2273T>A (p.Leu758Ter)

Gene: BRCA1 (BRCA1 DNA repair associated; minus strand). Cytogenetic location: 17q21.31.
Variant type: single nucleotide variant.
Coding change: c.2273T>A on transcript NM_007294.4 (MANE Select); coding-DNA position 2273, T replaced by A.
Protein change: p.Leu758Ter; replaces leucine 758 with a stop codon.
Molecular consequence: nonsense. On other transcripts: intron variant (137).
Genome position (GRCh38, 1-based): chr17:43,093,258, A>T on the plus strand (T>A on the coding strand, the complement: BRCA1 is on the minus strand). VCF-style: chr17-43093258-A-T. GRCh37 (hg19) VCF-style: chr17-41245275-A-T.
Other names: c.2060T>A, p.Leu687Ter (NM_001407571.1, NM_001407853.1, NM_001407894.1 and 9 more transcripts); c.2273T>A, p.Leu758Ter (NM_001407581.1, NM_001407582.1, NM_001407583.1 and 30 more transcripts); c.2270T>A, p.Leu757Ter (NM_001407587.1, NM_001407590.1, NM_001407591.1 and 22 more transcripts); c.2264T>A, p.Leu755Ter (NM_001407646.1, NM_001407647.1); c.2192T>A, p.Leu731Ter (NM_001407659.1, NM_001407660.1, NM_001407661.1 and 1 more transcripts); c.2195T>A, p.Leu732Ter (NM_001407663.1, NM_001407653.1, NM_001407654.1 and 4 more transcripts); c.2150T>A, p.Leu717Ter (NM_001407664.1, NM_001407665.1, NM_001407666.1 and 19 more transcripts); c.2147T>A, p.Leu716Ter (NM_001407685.1, NM_001407686.1, NM_001407940.1 and 11 more transcripts); and 41 more; short protein forms L758*, L711*, L462*, L688*, L691*, L731*, L757*, L630*.
Identifiers: ClinVar variation 409317 (VCV000409317.18), dbSNP rs1060502334, ClinGen allele CA10597455.